The following is an entry in ClinVar:

NM_001401501.2(MUC16):c.2882G>C (p.Arg961Thr)

Gene: MUC16 (mucin 16, cell surface associated; minus strand). Cytogenetic location: 19p13.2.
Variant type: single nucleotide variant.
Coding change: c.2882G>C on transcript NM_001401501.2 (MANE Select); coding-DNA position 2882, G replaced by C.
Protein change: p.Arg961Thr; replaces arginine 961 with threonine.
Molecular consequence: missense variant.
Genome position (GRCh38, 1-based): chr19:8,978,377, C>G on the plus strand (G>C on the coding strand, the complement: MUC16 is on the minus strand). VCF-style: chr19-8978377-C-G. GRCh37 (hg19) VCF-style: chr19-9089053-C-G.
Other names: c.3308G>C, p.Arg1103Thr (NM_001414686.1); c.2762G>C, p.Arg921Thr (NM_001414687.1, NM_024690.2); short protein forms R1103T, R921T, R961T.
Identifiers: ClinVar variation 3047396 (VCV003047396.2), dbSNP rs370829692, ClinGen allele CA9173148.
Genomic context (GRCh38, chr19:8,978,377, plus strand): 5'-TGAGATATTTTAGGAAGAGCTGAACCAGTTGAGTTTGTAACTGAGGTACTGCTCGTAGCT[C>G]TGAGCTCACTCACTAGGTGGGATGAAGAGAACTGAGCTGAACGTGTAGGCCAGGTGTCCA-3'
Protein context (NP_001388430.1, residues 951-971): FSSSHLVSEL[Arg961Thr]ATSSTSVTNS

ClinVar aggregate classification (germline): Likely benign (0 of 4 stars; one submission).

Conditions:
MUC16-related disorder. Also called: MUC16-related condition.

Allele frequency attached by ClinVar (database versions not stated): TOPMed 0.00006; gnomAD exomes 0.00007; gnomAD 0.00016; ExAC 0.00022; 1000 Genomes Project 30x 0.00062; 1000 Genomes Project 0.00080.

Submission:

PreventionGenetics, part of Exact Sciences
Classification: Likely benign for MUC16-related condition. Last evaluated: 2023-07-09. Review status: no assertion criteria provided. Collection method: clinical testing. Allele origin: germline.
Comment: This variant is classified as likely benign based on ACMG/AMP sequence variant interpretation guidelines (Richards et al. 2015 PMID: 25741868, with internal and published modifications).